The following is an entry in ClinVar:

NM_001099922.3(ALG13):c.1664A>G (p.Asn555Ser)

Gene: ALG13 (ALG13 UDP-N-acetylglucosaminyltransferase subunit; plus strand). Cytogenetic location: Xq23.
Variant type: single nucleotide variant.
Coding change: c.1664A>G on transcript NM_001099922.3 (MANE Select); coding-DNA position 1664, A replaced by G.
Protein change: p.Asn555Ser; replaces asparagine 555 with serine.
Molecular consequence: missense variant. On other transcripts: non-coding transcript variant (1).
Genome position (GRCh38, 1-based): chrX:111,724,996, A>G. VCF-style: chrX-111724996-A-G. GRCh37 (hg19) VCF-style: chrX-110968224-A-G.
Other names: c.1352A>G, p.Asn451Ser (NM_001257230.2, NM_001257234.2, NM_001257237.2); c.1430A>G, p.Asn477Ser (NM_001257231.2); c.1664A>G, p.Asn555Ser (NM_001324292.2); c.1178A>G, p.Asn393Ser (NM_001324293.1); c.1664A>G (NM_001099922.2); short protein forms N451S, N477S, N555S, N393S.
Identifiers: ClinVar variation 1042654 (VCV001042654.10), dbSNP rs1198802633, ClinGen allele CA414252252.

ClinVar aggregate classification (germline): Uncertain significance. Review status: criteria provided, multiple submitters, no conflicts (2 of 4 stars). 2 submissions from 2 submitters: Uncertain significance (2). Last evaluated 2025-09-16.

Conditions:
Developmental and epileptic encephalopathy, 36 (DEE36). Also called: Epileptic encephalopathy, early infantile, 36; Congenital disorder of glycosylation, type Is; ALG13-CDG. Identifiers: Orphanet 324422, MedGen C4317295, MONDO:0010472, OMIM 300884.

Allele frequency attached by ClinVar (database versions not stated): gnomAD exomes below 0.00001 and 0.00001; gnomAD 0.00002; TOPMed 0.00002.
gnomAD v4.1: 3 of 1,209,423 alleles (0.00025%); highest among the groups gnomAD compares: African/African-American, 0.0052%; no homozygotes.

Submissions (2):

Labcorp Genetics (formerly Invitae), Labcorp
Classification: Uncertain significance for Developmental and epileptic encephalopathy, 36. Last evaluated: 2025-09-16. Review status: criteria provided, single submitter. Criteria: Invitae Variant Classification Sherloc (09022015). Collection method: clinical testing. Allele origin: germline.
Comment: This sequence change replaces asparagine, which is neutral and polar, with serine, which is neutral and polar, at codon 555 of the ALG13 protein (p.Asn555Ser). This variant is present in population databases (no rsID available, gnomAD 0.01%). This variant has not been reported in the literature in individuals affected with ALG13-related conditions. ClinVar contains an entry for this variant (Variation ID: 1042654). Invitae Evidence Modeling of protein sequence and biophysical properties (such as structural, functional, and spatial information, amino acid conservation, physicochemical variation, residue mobility, and thermodynamic stability) indicates that this missense variant is not expected to disrupt ALG13 protein function with a negative predictive value of 95%. In summary, the available evidence is currently insufficient to determine the role of this variant in disease. Therefore, it has been classified as a Variant of Uncertain Significance.

GeneDx
Classification: Uncertain significance. Last evaluated: 2023-07-25. Review status: criteria provided, single submitter. Criteria: GeneDx Variant Classification Process June 2021. Collection method: clinical testing. Allele origin: germline. Affected: yes.
Comment: In silico analysis supports that this missense variant has a deleterious effect on protein structure/function; Has not been previously published as pathogenic or benign to our knowledge